The following is an entry in ClinVar:

ClinVar aggregate classification (germline): Uncertain significance. Review status: criteria provided, multiple submitters, no conflicts (2 of 4 stars). 3 submissions from 3 submitters: Uncertain significance (3). Last evaluated 2024-01-12.

Conditions:
Inborn genetic diseases. Identifiers: MedGen C0950123, MeSH D030342.
Nemaline myopathy 5 (NEM5A). Also called: NEMALINE MYOPATHY, AMISH TYPE; Nemaline myopathy 5, Amish type; NEMALINE MYOPATHY 5A, AUTOSOMAL RECESSIVE, SEVERE INFANTILE. Identifiers: Orphanet 98902, MedGen C1854380, MONDO:0011539, OMIM 605355.

Submissions (3):

Ambry Genetics
Classification: Uncertain significance for Inborn genetic diseases. Last evaluated: 2024-01-12. Review status: criteria provided, single submitter. Criteria: Ambry Variant Classification Scheme 2023. Collection method: clinical testing. Allele origin: germline.

Labcorp Genetics (formerly Invitae), Labcorp
Classification: Uncertain significance for Nemaline myopathy 5. Last evaluated: 2022-06-27. Review status: criteria provided, single submitter. Criteria: Invitae Variant Classification Sherloc (09022015). Collection method: clinical testing. Allele origin: germline.
Comment: This variant is not present in population databases (gnomAD no frequency). In summary, the available evidence is currently insufficient to determine the role of this variant in disease. Therefore, it has been classified as a Variant of Uncertain Significance. Algorithms developed to predict the effect of missense changes on protein structure and function are either unavailable or do not agree on the potential impact of this missense change (SIFT: "Deleterious"; PolyPhen-2: "Probably Damaging"; Align-GVGD: "Class C0"). This variant has not been reported in the literature in individuals affected with TNNT1-related conditions. This sequence change replaces arginine, which is basic and polar, with glutamine, which is neutral and polar, at codon 107 of the TNNT1 protein (p.Arg107Gln).

Revvity Omics, Revvity
Classification: Uncertain significance. Last evaluated: 2020-03-13. Review status: criteria provided, single submitter. Criteria: ACMG Guidelines, 2015. Collection method: clinical testing. Allele origin: germline.

NM_003283.6(TNNT1):c.320G>A (p.Arg107Gln)

Gene: TNNT1 (troponin T1, slow skeletal type; minus strand). Cytogenetic location: 19q13.42.
Variant type: single nucleotide variant.
Coding change: c.320G>A on transcript NM_003283.6 (MANE Select); coding-DNA position 320, G replaced by A.
Protein change: p.Arg107Gln; replaces arginine 107 with glutamine.
Molecular consequence: missense variant.
Genome position (GRCh38, 1-based): chr19:55,140,950, C>T on the plus strand (G>A on the coding strand, the complement: TNNT1 is on the minus strand). VCF-style: chr19-55140950-C-T. GRCh37 (hg19) VCF-style: chr19-55652318-C-T.
Other names: c.320G>A (NM_003283.4); c.320G>A, p.Arg107Gln (NM_001126132.3); c.287G>A, p.Arg96Gln (NM_001126133.3, NM_001291774.2); short protein forms R96Q, R107Q.
Identifiers: ClinVar variation 1466688 (VCV001466688.12), dbSNP rs2147254128, ClinGen allele CA407435079.